The following is an entry in ClinVar:

ClinVar aggregate classification (germline): Uncertain significance (1 of 4 stars; one submission).

Conditions:
Hereditary cancer-predisposing syndrome. Also called: Neoplastic Syndromes, Hereditary; Tumor predisposition; Hereditary neoplastic syndrome; Hereditary Cancer Syndrome. Identifiers: Orphanet 140162, MedGen C0027672, MeSH D009386, MONDO:0015356.

Submission:

Ambry Genetics
Classification: Uncertain significance for Hereditary cancer-predisposing syndrome. Last evaluated: 2026-07-07. Review status: criteria provided, single submitter. Criteria: Ambry Variant Classification Scheme 2023. Collection method: clinical testing. Allele origin: germline.
Comment: The p.E393K variant (also known as c.1177G>A), located in coding exon 9 of the BMPR1A gene, results from a G to A substitution at nucleotide position 1177. The glutamic acid at codon 393 is replaced by lysine, an amino acid with similar properties. This amino acid position is conserved. In addition, this alteration is predicted to be deleterious by in silico analysis. Based on the available evidence, the clinical significance of this variant remains unclear.

NM_004329.3(BMPR1A):c.1177G>A (p.Glu393Lys)

Gene: BMPR1A (bone morphogenetic protein receptor type 1A; plus strand). Cytogenetic location: 10q23.2.
Variant type: single nucleotide variant.
Coding change: c.1177G>A on transcript NM_004329.3 (MANE Select); coding-DNA position 1177, G replaced by A.
Protein change: p.Glu393Lys; replaces glutamic acid 393 with lysine.
Molecular consequence: missense variant. On other transcripts: non-coding transcript variant (3).
Genome position (GRCh38, 1-based): chr10:86,921,530, G>A. VCF-style: chr10-86921530-G-A. GRCh37 (hg19) VCF-style: chr10-88681287-G-A.
Other names: c.1177G>A, p.Glu393Lys (NM_001406578.1, NM_001406579.1, NM_001406580.1 and 19 more transcripts); c.1171G>A, p.Glu391Lys (NM_001406583.1); c.1093G>A, p.Glu365Lys (NM_001406584.1, NM_001406585.1, NM_001406586.1 and 2 more transcripts); c.835G>A, p.Glu279Lys (NM_001406589.1); c.1252G>A, p.Glu418Lys (NM_001406559.1); c.1225G>A, p.Glu409Lys (NM_001406560.1); short protein forms E279K, E365K, E391K, E409K, E418K, E393K.
Identifiers: ClinVar variation 5033025 (VCV005033025.1).